The following is an entry in ClinVar:

NM_080424.4(SP110):c.316+6G>A

Genes: SP140 (SP140 nuclear body protein; plus strand), SP110 (SP110 nuclear body protein; minus strand). Cytogenetic location: 2q37.1.
Variant type: single nucleotide variant.
Coding change: c.316+6G>A on transcript NM_080424.4 (MANE Select); 6 bases into the intron after coding-DNA position 316, G replaced by A.
Molecular consequence: intron variant.
Genome position (GRCh38, 1-based): chr2:230,214,944, C>T on the plus strand (G>A on the coding strand, the complement: SP110 is on the minus strand). VCF-style: chr2-230214944-C-T. GRCh37 (hg19) VCF-style: chr2-231079659-C-T.
Other names: c.334+6G>A (NM_001378446.1, NM_001378445.1, NM_001378442.1 and 2 more transcripts); c.316+6G>A (NM_004509.5, NM_001378443.1, NM_001378447.1 and 1 more transcripts).
Identifiers: ClinVar variation 1367324 (VCV001367324.6), dbSNP rs201244482, ClinGen allele CA66762586.

ClinVar aggregate classification (germline): Uncertain significance (1 of 4 stars; one submission).

Conditions:
Hepatic veno-occlusive disease-immunodeficiency syndrome. Also called: Hepatic Veno-Occlusive Disease with Immunodeficiency. Identifiers: Orphanet 79124, MedGen C1856128, MONDO:0009338, OMIM 235550. Disease mechanism: loss of function.

Allele frequency attached by ClinVar (database versions not stated): gnomAD exomes below 0.00001.
gnomAD v4.1: 3 of 1,613,316 alleles (0.00019%); highest among the groups gnomAD compares: Non-Finnish European, 0.00025%; no homozygotes.

Submission:

Labcorp Genetics (formerly Invitae), Labcorp
Classification: Uncertain significance for Hepatic veno-occlusive disease-immunodeficiency syndrome. Last evaluated: 2021-07-14. Review status: criteria provided, single submitter. Criteria: Invitae Variant Classification Sherloc (09022015). Collection method: clinical testing. Allele origin: germline.
Comment: This sequence change falls in intron 3 of the SP110 gene. It does not directly change the encoded amino acid sequence of the SP110 protein. It affects a nucleotide within the consensus splice site of the intron. This variant is not present in population databases (ExAC no frequency). This variant has not been reported in the literature in individuals affected with SP110-related conditions. Nucleotide substitutions within the consensus splice site are a relatively common cause of aberrant splicing (PMID: 17576681, 9536098). Algorithms developed to predict the effect of sequence changes on RNA splicing suggest that this variant may disrupt the consensus splice site. In summary, the available evidence is currently insufficient to determine the role of this variant in disease. Therefore, it has been classified as a Variant of Uncertain Significance.

Literature cited by the submitters: PubMed 17576681; PubMed 9536098.